The following is an entry in ClinVar:

NM_006086.4(TUBB3):c.348C>T (p.Val116=)

Gene: TUBB3 (tubulin beta 3 class III; plus strand). Cytogenetic location: 16q24.3.
Variant type: single nucleotide variant.
Coding change: c.348C>T on transcript NM_006086.4 (MANE Select); coding-DNA position 348, C replaced by T.
Protein change: p.Val116=; no amino-acid change (valine 116 retained).
Molecular consequence: synonymous variant.
Genome position (GRCh38, 1-based): chr16:89,934,799, C>T. VCF-style: chr16-89934799-C-T. GRCh37 (hg19) VCF-style: chr16-90001207-C-T.
Other names: c.132C>T, p.Val44= (NM_001197181.2).
Identifiers: ClinVar variation 4848141 (VCV004848141.1).

ClinVar aggregate classification (germline): Likely benign (1 of 4 stars; one submission).

Submission:

Women's Health and Genetics/Laboratory Corporation of America, LabCorp
Classification: Likely benign. Last evaluated: 2026-02-24. Review status: criteria provided, single submitter. Criteria: LabCorp Variant Classification Summary - May 2015. Collection method: clinical testing. Allele origin: germline.
Comment: Variant summary: TUBB3 c.348C>T alters a conserved nucleotide resulting in a synonymous change. Consensus agreement among computation tools predict no significant impact on normal splicing. However, these predictions have yet to be confirmed by functional studies. The variant was absent in 251314 control chromosomes. The available data on variant occurrences in the general population are insufficient to allow any conclusion about variant significance. To our knowledge, no occurrence of c.348C>T in individuals affected with TUBB3-related conditions and no experimental evidence demonstrating its impact on protein function have been reported. No submitters have cited clinical-significance assessments for this variant to ClinVar. Based on the evidence outlined above, the variant was classified as likely benign.